The following is an entry in ClinVar:

ClinVar aggregate classification (germline): Uncertain significance. Review status: criteria provided, multiple submitters, no conflicts (2 of 4 stars). 2 submissions from 2 submitters: Uncertain significance (2). Last evaluated 2026-06-30.

Conditions:
Cholestanol storage disease (CTX). Also called: Cerebrotendinous Xanthomatosis; CTX: Cerebrotendinous xanthomatosis; CEREBRAL CHOLESTERINOSIS. Identifiers: Orphanet 909, MedGen C0238052, MONDO:0008948, OMIM 213700.

Allele frequency attached by ClinVar (database versions not stated): TOPMed 0.00001; gnomAD 0.00003.

Submissions (2):

GeneDx
Classification: Uncertain significance. Last evaluated: 2026-06-30. Review status: criteria provided, single submitter. Criteria: GeneDx Variant Classification Process June 2021. Collection method: clinical testing. Allele origin: germline.
Comment: Not observed at significant frequency in large population cohorts (gnomAD); In silico analysis suggests that this missense variant does not alter protein structure/function; Has not been previously published as pathogenic or benign to our knowledge

Labcorp Genetics (formerly Invitae), Labcorp
Classification: Uncertain significance for Cholestanol storage disease. Last evaluated: 2022-08-22. Review status: criteria provided, single submitter. Criteria: Invitae Variant Classification Sherloc (09022015). Collection method: clinical testing. Allele origin: germline.
Comment: This sequence change replaces arginine, which is basic and polar, with histidine, which is basic and polar, at codon 62 of the CYP27A1 protein (p.Arg62His). This variant is present in population databases (rs781157413, gnomAD 0.002%). This variant has not been reported in the literature in individuals affected with CYP27A1-related conditions. Advanced modeling of protein sequence and biophysical properties (such as structural, functional, and spatial information, amino acid conservation, physicochemical variation, residue mobility, and thermodynamic stability) performed at Invitae indicates that this missense variant is not expected to disrupt CYP27A1 protein function. In summary, the available evidence is currently insufficient to determine the role of this variant in disease. Therefore, it has been classified as a Variant of Uncertain Significance.

NM_000784.4(CYP27A1):c.185G>A (p.Arg62His)

Gene: CYP27A1 (cytochrome P450 family 27 subfamily A member 1; plus strand). Cytogenetic location: 2q35.
Variant type: single nucleotide variant.
Coding change: c.185G>A on transcript NM_000784.4 (MANE Select); coding-DNA position 185, G replaced by A.
Protein change: p.Arg62His; replaces arginine 62 with histidine.
Molecular consequence: missense variant.
Genome position (GRCh38, 1-based): chr2:218,782,367, G>A. VCF-style: chr2-218782367-G-A. GRCh37 (hg19) VCF-style: chr2-219647090-G-A.
Other names: c.185G>A (NM_000784.3); short protein forms R62H.
Identifiers: ClinVar variation 2158958 (VCV002158958.3), dbSNP rs781157413, ClinGen allele CA2112530.